The following is an entry in ClinVar:

NM_001267550.2(TTN):c.82673dup (p.Ser27559fs)

Genes: TTN (titin; minus strand), TTN-AS1 (TTN antisense RNA 1; plus strand). Cytogenetic location: 2q31.2.
Variant type: Duplication.
Coding change: c.82673dup on transcript NM_001267550.2 (MANE Select); coding-DNA position 82673, one base duplicated (C; older notation c.82673dupC).
Protein change: p.Ser27559fs; shifts the reading frame from serine 27559.
Molecular consequence: frameshift variant.
Genome position (GRCh38, 1-based): chr2:178,563,459, G duplicated on the plus strand (C on the coding strand, the reverse complement: TTN is on the minus strand); the first of 2 consecutive G bases (chr2:178,563,459-178,563,460); duplicating either gives the same sequence. VCF-style (leftmost placement, unchanged base first): chr2-178563458-T-TG. GRCh37 (hg19) VCF-style: chr2-179428185-T-TG.
Other names: c.55478dup, p.Ser18494fs (NM_003319.4); c.74969dup, p.Ser24991fs (NM_133378.4); c.55853dup, p.Ser18619fs (NM_133432.3); c.56054dup, p.Ser18686fs (NM_133437.4); c.77750dup, p.Ser25918fs (NM_001256850.1); short protein forms S18619fs, S18686fs, S24991fs, S18494fs, S25918fs, S27559fs.
Identifiers: ClinVar variation 841352 (VCV000841352.10), dbSNP rs1704426915, ClinGen allele CA916081343.

ClinVar aggregate classification (germline): Likely pathogenic (1 of 4 stars; one submission).

Conditions:
Autosomal recessive limb-girdle muscular dystrophy type 2J (LGMDR10). Also called: Limb-girdle muscular dystrophy, type 2J; MUSCULAR DYSTROPHY, LIMB-GIRDLE, AUTOSOMAL RECESSIVE 10. Identifiers: Orphanet 140922, MedGen C1837342, MONDO:0012127, OMIM 608807.
Dilated cardiomyopathy 1G (CMD1G). Identifiers: Orphanet 154, MedGen C1858763, MONDO:0011400, OMIM 604145.

Submission:

Labcorp Genetics (formerly Invitae), Labcorp
Classification: Likely pathogenic for Dilated cardiomyopathy 1G; Autosomal recessive limb-girdle muscular dystrophy type 2J. Last evaluated: 2022-12-06. Review status: criteria provided, single submitter. Criteria: Invitae Variant Classification Sherloc (09022015). Collection method: clinical testing. Allele origin: germline.
Comment: This sequence change creates a premature translational stop signal (p.Ser27559Ilefs*8) in the TTN gene. While this is not anticipated to result in nonsense mediated decay, it is expected to create a truncated TTN protein. In summary, the currently available evidence indicates that the variant is pathogenic, but additional data are needed to prove that conclusively. Therefore, this variant has been classified as Likely Pathogenic. This variant is located in the A band of TTN (PMID: 25589632). Truncating variants in this region are significantly overrepresented in patients affected with dilated cardiomyopathy (PMID: 25589632). Truncating variants in this region have also been reported in individuals affected with autosomal recessive centronuclear myopathy (PMID: 23975875). ClinVar contains an entry for this variant (Variation ID: 841352). This variant has not been reported in the literature in individuals affected with TTN-related conditions. This variant is not present in population databases (gnomAD no frequency).

Literature cited by the submitters: PubMed 25589632; PubMed 23975875.